The following is an entry in ClinVar:

NM_002691.4(POLD1):c.1397A>G (p.Glu466Gly)

Gene: POLD1 (DNA polymerase delta 1, catalytic subunit; plus strand). Cytogenetic location: 19q13.33.
Variant type: single nucleotide variant.
Coding change: c.1397A>G on transcript NM_002691.4 (MANE Select); coding-DNA position 1397, A replaced by G.
Protein change: p.Glu466Gly; replaces glutamic acid 466 with glycine.
Molecular consequence: missense variant. On other transcripts: non-coding transcript variant (1).
Genome position (GRCh38, 1-based): chr19:50,406,420, A>G. VCF-style: chr19-50406420-A-G. GRCh37 (hg19) VCF-style: chr19-50909677-A-G.
Other names: c.1397A>G (NM_002691.2); c.1397A>G, p.Glu466Gly (NM_001256849.1, NM_001308632.1); short protein forms E466G.
Identifiers: ClinVar variation 2416426 (VCV002416426.7), dbSNP rs2122326071, ClinGen allele CA406980033.
Genomic context (GRCh38, chr19:50,406,420, plus strand): 5'-AGGCCACTGCCCAGGCCCGCAGCCCACCAGCCCACCCACCCACCTAGGTGCTGCTGCGGG[A>G]GTACAAGCTCCGCTCCTACACGCTCAATGCCGTGAGCTTCCACTTCCTGGGCGAGCAGAA-3'
Protein context (NP_002682.2, residues 456-476): QMDMLQVLLR[Glu466Gly]YKLRSYTLNA

ClinVar aggregate classification (germline): Uncertain significance. Review status: criteria provided, multiple submitters, no conflicts (2 of 4 stars). 2 submissions from 2 submitters: Uncertain significance (2). Last evaluated 2025-11-10.

Conditions:
Hereditary cancer-predisposing syndrome. Also called: Neoplastic Syndromes, Hereditary; Tumor predisposition; Hereditary Cancer Syndrome; Hereditary neoplastic syndrome. Identifiers: Orphanet 140162, MedGen C0027672, MeSH D009386, MONDO:0015356.
POLD1-related polyposis and colorectal cancer syndrome (CRCS10). Also called: COLORECTAL CANCER, SUSCEPTIBILITY TO, ON CHROMOSOME 19q; Colorectal cancer 10; Colorectal cancer, susceptibility to, 10. Identifiers: Orphanet 220460, MedGen C2675481, MONDO:0012953, OMIM 612591.

Submissions (2):

Labcorp Genetics (formerly Invitae), Labcorp
Classification: Uncertain significance for POLD1-related polyposis and colorectal cancer syndrome. Last evaluated: 2025-11-10. Review status: criteria provided, single submitter. Criteria: Invitae Variant Classification Sherloc (09022015). Collection method: clinical testing. Allele origin: germline.
Comment: This sequence change replaces glutamic acid, which is acidic and polar, with glycine, which is neutral and non-polar, at codon 466 of the POLD1 protein (p.Glu466Gly). This variant is not present in population databases (gnomAD no frequency). This variant has not been reported in the literature in individuals affected with POLD1-related conditions. ClinVar contains an entry for this variant (Variation ID: 2416426). Invitae Evidence Modeling of protein sequence and biophysical properties (such as structural, functional, and spatial information, amino acid conservation, physicochemical variation, residue mobility, and thermodynamic stability) indicates that this missense variant is not expected to disrupt POLD1 protein function with a negative predictive value of 80%. In summary, the available evidence is currently insufficient to determine the role of this variant in disease. Therefore, it has been classified as a Variant of Uncertain Significance.

Ambry Genetics
Classification: Uncertain significance for Hereditary cancer-predisposing syndrome. Last evaluated: 2024-07-14. Review status: criteria provided, single submitter. Criteria: Ambry Variant Classification Scheme 2023. Collection method: clinical testing. Allele origin: germline.
Comment: The p.E466G variant (also known as c.1397A>G), located in coding exon 11 of the POLD1 gene, results from an A to G substitution at nucleotide position 1397. The glutamic acid at codon 466 is replaced by glycine, an amino acid with similar properties. This amino acid position is conserved. In addition, this alteration is predicted to be tolerated by in silico analysis. Based on the available evidence, the clinical significance of this variant remains unclear.